The following is an entry in ClinVar:

NM_006204.4(PDE6C):c.598G>A (p.Val200Ile)

Gene: PDE6C (phosphodiesterase 6C; plus strand). Cytogenetic location: 10q23.33.
Variant type: single nucleotide variant.
Coding change: c.598G>A on transcript NM_006204.4 (MANE Select); coding-DNA position 598, G replaced by A.
Protein change: p.Val200Ile; replaces valine 200 with isoleucine.
Molecular consequence: missense variant.
Genome position (GRCh38, 1-based): chr10:93,620,749, G>A. VCF-style: chr10-93620749-G-A. GRCh37 (hg19) VCF-style: chr10-95380506-G-A.
Other names: short protein forms V200I.
Identifiers: ClinVar variation 2059564 (VCV002059564.6), dbSNP rs200445032, ClinGen allele CA5609887.
Genomic context (GRCh38, chr10:93,620,749, plus strand): 5'-CTGGCAACCCCGATCGTGGTGGGCAAGGAGGTTCTTGCTGTGATCATGGCAGTTAACAAA[G>A]TAAATGCATCTGAATTTTCCAAACAGGATGAAGAGGTAATGCTAACCCTGGGCATCTGGT-3'
Protein context (NP_006195.3, residues 190-210): VLAVIMAVNK[Val200Ile]NASEFSKQDE

ClinVar aggregate classification (germline): Uncertain significance. Review status: criteria provided, multiple submitters, no conflicts (2 of 4 stars). 2 submissions from 2 submitters: Uncertain significance (2). Last evaluated 2025-06-03.

Conditions:
Inborn genetic diseases. Identifiers: MedGen C0950123, MeSH D030342.

Allele frequency attached by ClinVar (database versions not stated): gnomAD 0.00003; ESP Exome Variant Server 0.00008; gnomAD exomes 0.00004; ExAC 0.00007; TOPMed 0.00005.
gnomAD v4.1: 65 of 1,614,040 alleles (0.004%); highest among the groups gnomAD compares: South Asian, 0.018%; no homozygotes.

Submissions (2):

Ambry Genetics
Classification: Uncertain significance for Inborn genetic diseases. Last evaluated: 2025-06-03. Review status: criteria provided, single submitter. Criteria: Ambry Variant Classification Scheme 2023. Collection method: clinical testing. Allele origin: germline.

Labcorp Genetics (formerly Invitae), Labcorp
Classification: Uncertain significance. Last evaluated: 2022-03-29. Review status: criteria provided, single submitter. Criteria: Invitae Variant Classification Sherloc (09022015). Collection method: clinical testing. Allele origin: germline.
Comment: In summary, the available evidence is currently insufficient to determine the role of this variant in disease. Therefore, it has been classified as a Variant of Uncertain Significance. Algorithms developed to predict the effect of missense changes on protein structure and function output the following: SIFT: "Tolerated"; PolyPhen-2: "Benign"; Align-GVGD: "Class C0". The isoleucine amino acid residue is found in multiple mammalian species, which suggests that this missense change does not adversely affect protein function. This variant has not been reported in the literature in individuals affected with PDE6C-related conditions. This variant is present in population databases (rs200445032, gnomAD 0.02%). This sequence change replaces valine, which is neutral and non-polar, with isoleucine, which is neutral and non-polar, at codon 200 of the PDE6C protein (p.Val200Ile).